The following is an entry in ClinVar:

ClinVar aggregate classification (germline): Uncertain significance (1 of 4 stars; one submission).

Conditions:
Developmental and epileptic encephalopathy, 41 (DEE41). Also called: Epileptic encephalopathy, early infantile, 41. Identifiers: MedGen C4310717, MONDO:0014916, OMIM 617105.

Submission:

3billion
Classification: Uncertain significance for Developmental and epileptic encephalopathy, 41. Last evaluated: 2025-02-19. Review status: criteria provided, single submitter. Criteria: ACMG Guidelines, 2015. Collection method: clinical testing. Allele origin: germline. Affected: yes.
Comment: The variant is not observed in the gnomAD v4.1.0 dataset. Predicted Consequence/Location: Missense variant. Missense changes are a common disease-causing mechanism. In silico tool predictions suggest damaging effect of the variant on gene or gene product [REVEL: 0.79 (>=0.6, sensitivity 0.68 and specificity 0.92)]. Therefore, this variant is classified as VUS according to the recommendation of ACMG/AMP guideline.

NM_004171.4(SLC1A2):c.1115T>C (p.Phe372Ser)

Gene: SLC1A2 (solute carrier family 1 member 2; minus strand). Cytogenetic location: 11p13.
Variant type: single nucleotide variant.
Coding change: c.1115T>C on transcript NM_004171.4 (MANE Select); coding-DNA position 1115, T replaced by C.
Protein change: p.Phe372Ser; replaces phenylalanine 372 with serine.
Molecular consequence: missense variant.
Genome position (GRCh38, 1-based): chr11:35,286,928, A>G on the plus strand (T>C on the coding strand, the complement: SLC1A2 is on the minus strand). VCF-style: chr11-35286928-A-G. GRCh37 (hg19) VCF-style: chr11-35308475-A-G.
Other names: c.1088T>C, p.Phe363Ser (NM_001195728.3, NM_001252652.2, NM_001439341.1); c.1103T>C, p.Phe368Ser (NM_001439342.1); c.881T>C, p.Phe294Ser (NM_001439343.1); short protein forms F294S, F363S, F368S, F372S.
Identifiers: ClinVar variation 4292409 (VCV004292409.1).
Genomic context (GRCh38, chr11:35,286,928, plus strand): 5'-ACAGGAAGGACGAATCTAGTCACACGCTTATCAATCCCCAGATTTTCTTCCAGGCAACGA[A>G]AGGTGACAGGCAAAGTTCCAGCACTGAGAACAAAGAGAAAGAGAGAGACAGGGTTATGTC-3'
Protein context (NP_004162.2, residues 362-382): ASSAGTLPVT[Phe372Ser]RCLEENLGID